The following is an entry in ClinVar:

NM_000426.4(LAMA2):c.3910A>G (p.Ile1304Val)

Gene: LAMA2 (laminin subunit alpha 2; plus strand). Cytogenetic location: 6q22.33.
Variant type: single nucleotide variant.
Coding change: c.3910A>G on transcript NM_000426.4 (MANE Select); coding-DNA position 3910, A replaced by G.
Protein change: p.Ile1304Val; replaces isoleucine 1304 with valine.
Molecular consequence: missense variant.
Genome position (GRCh38, 1-based): chr6:129,315,936, A>G. VCF-style: chr6-129315936-A-G. GRCh37 (hg19) VCF-style: chr6-129637081-A-G.
Other names: c.3910A>G, p.Ile1304Val (NM_001079823.2); short protein forms I1304V.
Identifiers: ClinVar variation 2068935 (VCV002068935.1), dbSNP rs777291585, ClinGen allele CA3993380.

ClinVar aggregate classification (germline): Uncertain significance (1 of 4 stars; one submission).

Conditions:
LAMA2-related muscular dystrophy (LAMA2-RD). Also called: Laminin alpha 2-related dystrophy. Identifiers: MedGen C5679788, MONDO:0100228.

Allele frequency attached by ClinVar (database versions not stated): gnomAD exomes below 0.00001; ExAC 0.00001.
gnomAD v4.1: 1 of 1,614,128 alleles (0.000062%); highest among the groups gnomAD compares: South Asian, 0.0011%; no homozygotes.

Submission:

Labcorp Genetics (formerly Invitae), Labcorp
Classification: Uncertain significance for LAMA2-related muscular dystrophy. Last evaluated: 2022-07-07. Review status: criteria provided, single submitter. Criteria: Invitae Variant Classification Sherloc (09022015). Collection method: clinical testing. Allele origin: germline.
Comment: This sequence change replaces isoleucine, which is neutral and non-polar, with valine, which is neutral and non-polar, at codon 1304 of the LAMA2 protein (p.Ile1304Val). This variant is present in population databases (rs777291585, gnomAD 0.003%). This variant has not been reported in the literature in individuals affected with LAMA2-related conditions. Advanced modeling of protein sequence and biophysical properties (such as structural, functional, and spatial information, amino acid conservation, physicochemical variation, residue mobility, and thermodynamic stability) performed at Invitae indicates that this missense variant is not expected to disrupt LAMA2 protein function. In summary, the available evidence is currently insufficient to determine the role of this variant in disease. Therefore, it has been classified as a Variant of Uncertain Significance.